The following is an entry in ClinVar:

ClinVar aggregate classification (germline): Uncertain significance. Review status: criteria provided, multiple submitters, no conflicts (2 of 4 stars). 5 submissions from 5 submitters: Uncertain significance (3). 2 of the submissions do not count toward it. Last evaluated 2026-05-18.

Conditions:
TTN-related disorder. Also called: TTN-related condition; TTN-related disease; TTN-related disorders.

Allele frequency attached by ClinVar (database versions not stated): gnomAD exomes 0.00001 and 0.00002; ExAC 0.00002; gnomAD 0.00008; TOPMed 0.00008; 1000 Genomes Project 0.00020; 1000 Genomes Project 30x 0.00031.
gnomAD v4.1: 27 of 1,613,804 alleles (0.0017%); highest among the groups gnomAD compares: African/African-American, 0.035%; no homozygotes.

Submissions (5):

PreventionGenetics, part of Exact Sciences
Classification: Uncertain significance for TTN-related condition. Last evaluated: 2026-05-18. Review status: criteria provided, single submitter. Criteria: ACMG Guidelines, 2015. Collection method: clinical testing. Allele origin: germline.
Comment: The TTN c.95885A>T variant is predicted to result in the amino acid substitution p.Asn31962Ile. To our knowledge, this variant has not been reported in the literature. This variant is reported in 0.037% of alleles in individuals of African descent in gnomAD. At this time, the clinical significance of this variant is uncertain due to the absence of conclusive functional and genetic evidence.

Revvity Omics, Revvity
Classification: Uncertain significance. Last evaluated: 2020-10-07. Review status: criteria provided, single submitter. Criteria: ACMG Guidelines, 2015. Collection method: clinical testing. Allele origin: germline.

Eurofins Ntd Llc (ga)
Classification: Uncertain significance. Last evaluated: 2018-01-31. Review status: criteria provided, single submitter. Criteria: EGL Classification Definitions 2015. Collection method: clinical testing. Allele origin: germline. Observed: 1 variant allele, 1 heterozygote.

Clinical Genetics DNA and cytogenetics Diagnostics Lab, Erasmus MC, Erasmus Medical Center
Classification: Uncertain significance. Review status: no assertion criteria provided. Collection method: clinical testing. Allele origin: germline. Affected: yes. Study: VKGL Data-share Consensus. Not counted in ClinVar's aggregate classification.

Clinical Genetics, Academic Medical Center
Classification: Uncertain significance. Review status: no assertion criteria provided. Collection method: clinical testing. Allele origin: germline. Affected: yes. Study: VKGL Data-share Consensus. Not counted in ClinVar's aggregate classification.

NM_001267550.2(TTN):c.95885A>T (p.Asn31962Ile)

Genes: TTN (titin; minus strand), TTN-AS1 (TTN antisense RNA 1; plus strand). Cytogenetic location: 2q31.2.
Variant type: single nucleotide variant.
Coding change: c.95885A>T on transcript NM_001267550.2 (MANE Select); coding-DNA position 95885, A replaced by T.
Protein change: p.Asn31962Ile; replaces asparagine 31962 with isoleucine.
Molecular consequence: missense variant.
Genome position (GRCh38, 1-based): chr2:178,544,344, T>A on the plus strand (A>T on the coding strand, the complement: TTN is on the minus strand). VCF-style: chr2-178544344-T-A. GRCh37 (hg19) VCF-style: chr2-179409071-T-A.
Other names: c.90962A>T, p.Asn30321Ile (NM_001256850.1); c.68690A>T, p.Asn22897Ile (NM_003319.4); c.88181A>T, p.Asn29394Ile (NM_133378.4); c.69065A>T, p.Asn23022Ile (NM_133432.3); c.69266A>T, p.Asn23089Ile (NM_133437.4); short protein forms N29394I, N31962I, N23022I, N23089I, N22897I, N30321I.
Identifiers: ClinVar variation 595938 (VCV000595938.12), dbSNP rs535943753, ClinGen allele CA1986858.
Genomic context (GRCh38, chr2:178,544,344, plus strand): 5'-GAATATTTCTGGCCCATTTTAAGGTCTGGCACAGTGAATTCAGTATTTCTTATTGTGGCA[T>A]TGGTATGCACTCGGTACCACTGATCAGTGTCCTTCTCTTGCATTTCCAGAACATATCCTA-3'
Protein context (NP_001254479.2, residues 31952-31972): DTDQWYRVHT[Asn31962Ile]ATIRNTEFTV